The following is an entry in ClinVar:

NM_001394998.1(TANC2):c.206G>A (p.Ser69Asn)

Gene: TANC2 (tetratricopeptide repeat, ankyrin repeat and coiled-coil containing 2; plus strand). Cytogenetic location: 17q23.2.
Variant type: single nucleotide variant.
Coding change: c.206G>A on transcript NM_001394998.1 (MANE Select); coding-DNA position 206, G replaced by A.
Protein change: p.Ser69Asn; replaces serine 69 with asparagine.
Molecular consequence: missense variant.
Genome position (GRCh38, 1-based): chr17:63,099,241, G>A. VCF-style: chr17-63099241-G-A. GRCh37 (hg19) VCF-style: chr17-61176602-G-A.
Other names: c.206G>A, p.Ser69Asn (NM_001411076.1, NM_025185.4); short protein forms S69N.
Identifiers: ClinVar variation 3029048 (VCV003029048.2), dbSNP rs552420639, ClinGen allele CA8697330.

ClinVar aggregate classification (germline): Likely benign (0 of 4 stars; one submission).

Conditions:
TANC2-related disorder. Also called: TANC2-related condition.

Allele frequency attached by ClinVar (database versions not stated): ExAC 0.00018; 1000 Genomes Project 0.00040; 1000 Genomes Project 30x 0.00047.
gnomAD v4.1: 91 of 1,610,224 alleles (0.0057%); highest among the groups gnomAD compares: East Asian, 0.2%; no homozygotes.

Submission:

PreventionGenetics, part of Exact Sciences
Classification: Likely benign for TANC2-related condition. Last evaluated: 2022-03-31. Review status: no assertion criteria provided. Collection method: clinical testing. Allele origin: germline.
Comment: This variant is classified as likely benign based on ACMG/AMP sequence variant interpretation guidelines (Richards et al. 2015 PMID: 25741868, with internal and published modifications).